The following is an entry in ClinVar:

NM_001040108.2(MLH3):c.4026C>T (p.Thr1342=)

Gene: MLH3 (mutL homolog 3; minus strand). Cytogenetic location: 14q24.3.
Variant type: single nucleotide variant.
Coding change: c.4026C>T on transcript NM_001040108.2 (MANE Select); coding-DNA position 4026, C replaced by T.
Protein change: p.Thr1342=; no amino-acid change (threonine 1342 retained).
Molecular consequence: synonymous variant.
Genome position (GRCh38, 1-based): chr14:75,022,878, G>A on the plus strand (C>T on the coding strand, the complement: MLH3 is on the minus strand). VCF-style: chr14-75022878-G-A. GRCh37 (hg19) VCF-style: chr14-75489581-G-A.
Other names: c.3954C>T, p.Thr1318= (NM_014381.3).
Identifiers: ClinVar variation 1665347 (VCV001665347.13), dbSNP rs770765370, ClinGen allele CA7275246.

ClinVar aggregate classification (germline): Benign/Likely benign. Review status: criteria provided, multiple submitters, no conflicts (2 of 4 stars). 4 submissions from 4 submitters: Benign (1); Likely benign (2). 1 of the submissions does not count toward it. Last evaluated 2026-05-06.

Conditions:
MLH3-related disorder. Also called: MLH3-related condition.
Colorectal cancer, hereditary nonpolyposis, type 7. Identifiers: Orphanet 144, MedGen C1858380, MONDO:0013725, OMIM 614385.

Allele frequency attached by ClinVar (database versions not stated): gnomAD exomes 0.00001 and 0.00002; ExAC 0.00001; gnomAD 0.00003; TOPMed 0.00002.
gnomAD v4.1: 29 of 1,614,012 alleles (0.0018%); highest among the groups gnomAD compares: Non-Finnish European, 0.0023%; no homozygotes.

Submissions (4):

Myriad Genetics, Inc.
Classification: Benign for Colorectal cancer, hereditary nonpolyposis, type 7. Last evaluated: 2026-05-06. Review status: criteria provided, single submitter. Criteria: Myriad Autosomal Dominant, Autosomal Recessive and X-Linked Classification Criteria (2023). Collection method: clinical testing. Allele origin: unknown.
Comment: This variant is considered benign. This variant is a silent/synonymous amino acid change and it is not expected to impact splicing.

Labcorp Genetics (formerly Invitae), Labcorp
Classification: Likely benign for Colorectal cancer, hereditary nonpolyposis, type 7. Last evaluated: 2024-08-29. Review status: criteria provided, single submitter. Criteria: Invitae Variant Classification Sherloc (09022015). Collection method: clinical testing. Allele origin: germline.

Ambry Genetics
Classification: Likely benign. Last evaluated: 2022-02-15. Review status: criteria provided, single submitter. Criteria: Ambry Variant Classification Scheme 2023. Collection method: clinical testing. Allele origin: germline.

PreventionGenetics, part of Exact Sciences
Classification: Likely benign for MLH3-related condition. Last evaluated: 2022-02-08. Review status: no assertion criteria provided. Collection method: clinical testing. Allele origin: germline. Not counted in ClinVar's aggregate classification.
Comment: This variant is classified as likely benign based on ACMG/AMP sequence variant interpretation guidelines (Richards et al. 2015 PMID: 25741868, with internal and published modifications).